The following is an entry in ClinVar:

NM_001243133.2(NLRP3):c.1629C>G (p.Asn543Lys)

Gene: NLRP3 (NLR family pyrin domain containing 3; plus strand). Cytogenetic location: 1q44.
Variant type: single nucleotide variant.
Coding change: c.1629C>G on transcript NM_001243133.2 (MANE Select); coding-DNA position 1629, C replaced by G.
Protein change: p.Asn543Lys; replaces asparagine 543 with lysine.
Molecular consequence: missense variant.
Genome position (GRCh38, 1-based): chr1:247,425,078, C>G. VCF-style: chr1-247425078-C-G. GRCh37 (hg19) VCF-style: chr1-247588380-C-G.
Other names: c.1629C>G, p.Asn543Lys (NM_001079821.3, NM_001127461.3, NM_001127462.3 and 1 more transcripts); c.1635C>G, p.Asn545Lys (NM_004895.5); short protein forms N543K, N545K.
Identifiers: ClinVar variation 4951096 (VCV004951096.2).

ClinVar aggregate classification (germline): Uncertain significance. Review status: criteria provided, multiple submitters, no conflicts (2 of 4 stars). 2 submissions from 2 submitters: Uncertain significance (2). Last evaluated 2025-01-10.

Conditions:
NLRP3-related disorder. Also called: NLRP3-related condition; NLRP3-Related Disorders.

gnomAD v4.1: 6 of 1,614,132 alleles (0.00037%); highest among the groups gnomAD compares: South Asian, 0.0055%; no homozygotes.

Submissions (2):

PreventionGenetics, part of Exact Sciences
Classification: Uncertain significance for NLRP3-related condition. Last evaluated: 2025-01-10. Review status: criteria provided, single submitter. Criteria: ACMG Guidelines, 2015. Collection method: clinical testing. Allele origin: germline.
Comment: The NLRP3 c.1635C>G variant is predicted to result in the amino acid substitution p.Asn545Lys. To our knowledge, this variant has not been reported in the literature. This variant is reported in 0.0098% of alleles in individuals of South Asian descent in gnomAD. At this time, the clinical significance of this variant is uncertain due to the absence of conclusive functional and genetic evidence.

Blueprint Genetics
Classification: Uncertain significance. Last evaluated: 2024-08-27. Review status: criteria provided, single submitter. Criteria: ACMG Guidelines, 2015. Collection method: clinical testing. Allele origin: germline.